The following is an entry in ClinVar:

NM_004171.4(SLC1A2):c.508G>T (p.Asp170Tyr)

Gene: SLC1A2 (solute carrier family 1 member 2; minus strand). Cytogenetic location: 11p13.
Variant type: single nucleotide variant.
Coding change: c.508G>T on transcript NM_004171.4 (MANE Select); coding-DNA position 508, G replaced by T.
Protein change: p.Asp170Tyr; replaces aspartic acid 170 with tyrosine.
Molecular consequence: missense variant.
Genome position (GRCh38, 1-based): chr11:35,312,251, C>A on the plus strand (G>T on the coding strand, the complement: SLC1A2 is on the minus strand). VCF-style: chr11-35312251-C-A. GRCh37 (hg19) VCF-style: chr11-35333798-C-A.
Other names: c.481G>T, p.Asp161Tyr (NM_001195728.3, NM_001252652.2); short protein forms D161Y, D170Y.
Identifiers: ClinVar variation 2430628 (VCV002430628.1), dbSNP rs2497902567, ClinGen allele CA380129024.
Genomic context (GRCh38, chr11:35,312,251, plus strand): 5'-GGGTTACCTGTTGAAAGCAGGCTTGGACAAGGTTTTCAGGGAAGAGATTTCGAATAAGGT[C>A]CAGGAAGGCATCCAGGCTGGACACTTCATCATTCTTCTTCCCAGGCCCCAGCTGCTTCTT-3'
Protein context (NP_004162.2, residues 160-180): DEVSSLDAFL[Asp170Tyr]LIRNLFPENL

ClinVar aggregate classification (germline): Uncertain significance (1 of 4 stars; one submission).

Submission:

GeneDx
Classification: Uncertain significance. Last evaluated: 2023-02-20. Review status: criteria provided, single submitter. Criteria: GeneDx Variant Classification Process June 2021. Collection method: clinical testing. Allele origin: germline. Affected: yes.
Comment: Not observed at significant frequency in large population cohorts (gnomAD); In silico analysis supports that this missense variant has a deleterious effect on protein structure/function; Has not been previously published as pathogenic or benign to our knowledge